The following is an entry in ClinVar:

NM_001130009.3(GEN1):c.424C>T (p.Leu142Phe)

Gene: GEN1 (GEN1 structure-specific endonuclease; plus strand). Cytogenetic location: 2p24.2.
Variant type: single nucleotide variant.
Coding change: c.424C>T on transcript NM_001130009.3 (MANE Select); coding-DNA position 424, C replaced by T.
Protein change: p.Leu142Phe; replaces leucine 142 with phenylalanine.
Molecular consequence: missense variant.
Genome position (GRCh38, 1-based): chr2:17,764,972, C>T. VCF-style: chr2-17764972-C-T. GRCh37 (hg19) VCF-style: chr2-17946239-C-T.
Other names: c.424C>T, p.Leu142Phe (NM_182625.5); short protein forms L142F.
Identifiers: ClinVar variation 4750370 (VCV004750370.1).
Genomic context (GRCh38, chr2:17,764,972, plus strand): 5'-GAATGCTTAGGAATCCCCTGGGTTCAGGCTGCTGGGGAAGCTGAAGCCATGTGTGCTTAT[C>T]TCAATGCTGGTGGTCATGTCGATGGCTGCCTCACCAATGATGGAGATACTTTCCTTTATG-3'
Protein context (NP_001123481.3, residues 132-152): AGEAEAMCAY[Leu142Phe]NAGGHVDGCL

ClinVar aggregate classification (germline): Uncertain significance (1 of 4 stars; one submission).

gnomAD v4.1: 1 of 1,614,148 alleles (0.000062%); highest among the groups gnomAD compares: Non-Finnish European, 0.000085%; no homozygotes.

Submission:

Labcorp Genetics (formerly Invitae), Labcorp
Classification: Uncertain significance. Last evaluated: 2025-11-23. Review status: criteria provided, single submitter. Criteria: Invitae Variant Classification Sherloc (09022015). Collection method: clinical testing. Allele origin: germline.
Comment: This sequence change replaces leucine, which is neutral and non-polar, with phenylalanine, which is neutral and non-polar, at codon 142 of the GEN1 protein (p.Leu142Phe). This variant is not present in population databases (gnomAD no frequency). This variant has not been reported in the literature in individuals affected with GEN1-related conditions. An algorithm developed to predict the effect of missense changes on protein structure and function (PolyPhen-2) suggests that this variant is likely to be disruptive. In summary, the available evidence is currently insufficient to determine the role of this variant in disease. Therefore, it has been classified as a Variant of Uncertain Significance.